The following is an entry in ClinVar:

NM_000128.4(F11):c.1393G>T (p.Glu465Ter)

Gene: F11 (coagulation factor XI; plus strand). Cytogenetic location: 4q35.2.
Variant type: single nucleotide variant.
Coding change: c.1393G>T on transcript NM_000128.4 (MANE Select); coding-DNA position 1393, G replaced by T.
Protein change: p.Glu465Ter; replaces glutamic acid 465 with a stop codon.
Molecular consequence: nonsense.
Genome position (GRCh38, 1-based): chr4:186,285,726, G>T. VCF-style: chr4-186285726-G-T. GRCh37 (hg19) VCF-style: chr4-187206880-G-T.
Other names: c.1345G>T, p.Glu449Ter (NM_001440590.1, NM_001440596.1); c.1393G>T, p.Glu465Ter (NM_001440593.1); c.1123G>T, p.Glu375Ter (NM_001440605.1, NM_001440607.1); c.1075G>T, p.Glu359Ter (NM_001440606.1, NM_001440608.1); short protein forms E359*, E375*, E449*, E465*.
Identifiers: ClinVar variation 5013387 (VCV005013387.1).

ClinVar aggregate classification (germline): Pathogenic (1 of 4 stars; one submission).

Conditions:
Hereditary factor XI deficiency disease. Also called: PLASMA THROMBOPLASTIN ANTECEDENT DEFICIENCY; PTA DEFICIENCY; ROSENTHAL SYNDROME; Congenital factor XI deficiency. Identifiers: Orphanet 329, MedGen C0015523, MeSH D005173, MONDO:0012897, OMIM 612416.

Submission:

Myriad Genetics, Inc.
Classification: Pathogenic for Hereditary factor XI deficiency disease. Last evaluated: 2024-05-14. Review status: criteria provided, single submitter. Criteria: Myriad Autosomal Dominant, Autosomal Recessive and X-Linked Classification Criteria (2023). Collection method: clinical testing. Allele origin: unknown.
Comment: NM_000128.3(F11):c.1393G>T(E465*) is expected to be pathogenic in the context of factor XI deficiency. This variant is predicted to lead to an abnormal or absent protein product due to the creation of a premature termination codon in F11, a gene where loss-of-function variants are known to be pathogenic. Please note: this variant was assessed in the context of healthy population screening.